The following is an entry in ClinVar:

ClinVar aggregate classification (germline): Uncertain significance (1 of 4 stars; one submission).

Conditions:
POLD1-related polyposis and colorectal cancer syndrome (CRCS10). Also called: Colorectal cancer 10; COLORECTAL CANCER, SUSCEPTIBILITY TO, ON CHROMOSOME 19q; Colorectal cancer, susceptibility to, 10. Identifiers: Orphanet 220460, MedGen C2675481, MONDO:0012953, OMIM 612591.

Submission:

Labcorp Genetics (formerly Invitae), Labcorp
Classification: Uncertain significance for POLD1-related polyposis and colorectal cancer syndrome. Last evaluated: 2019-09-25. Review status: criteria provided, single submitter. Criteria: Invitae Variant Classification Sherloc (09022015). Collection method: clinical testing. Allele origin: germline.
Comment: In summary, the available evidence is currently insufficient to determine the role of this variant in disease. Therefore, it has been classified as a Variant of Uncertain Significance. Algorithms developed to predict the effect of missense changes on protein structure and function are either unavailable or do not agree on the potential impact of this missense change (SIFT: "Deleterious"; PolyPhen-2: "Probably Damaging"; Align-GVGD: "Class C0"). This variant has not been reported in the literature in individuals with POLD1-related conditions. This variant is not present in population databases (ExAC no frequency). This sequence change replaces leucine with methionine at codon 848 of the POLD1 protein (p.Leu848Met). The leucine residue is highly conserved and there is a small physicochemical difference between leucine and methionine.

NM_002691.4(POLD1):c.2542C>A (p.Leu848Met)

Gene: POLD1 (DNA polymerase delta 1, catalytic subunit; plus strand). Cytogenetic location: 19q13.33.
Variant type: single nucleotide variant.
Coding change: c.2542C>A on transcript NM_002691.4 (MANE Select); coding-DNA position 2542, C replaced by A.
Protein change: p.Leu848Met; replaces leucine 848 with methionine.
Molecular consequence: missense variant. On other transcripts: non-coding transcript variant (1).
Genome position (GRCh38, 1-based): chr19:50,414,968, C>A. VCF-style: chr19-50414968-C-A. GRCh37 (hg19) VCF-style: chr19-50918225-C-A.
Other names: c.2542C>A, p.Leu848Met (NM_001256849.1); c.2620C>A, p.Leu874Met (NM_001308632.1); short protein forms L848M, L874M.
Identifiers: ClinVar variation 942104 (VCV000942104.9), dbSNP rs1555792888, ClinGen allele CA406985214.